The following is an entry in ClinVar:

NM_015512.5(DNAH1):c.1612C>G (p.His538Asp)

Gene: DNAH1 (dynein axonemal heavy chain 1; plus strand). Cytogenetic location: 3p21.1.
Variant type: single nucleotide variant.
Coding change: c.1612C>G on transcript NM_015512.5 (MANE Select); coding-DNA position 1612, C replaced by G.
Protein change: p.His538Asp; replaces histidine 538 with aspartic acid.
Molecular consequence: missense variant.
Genome position (GRCh38, 1-based): chr3:52,345,662, C>G. VCF-style: chr3-52345662-C-G. GRCh37 (hg19) VCF-style: chr3-52379678-C-G.
Other names: short protein forms H538D.
Identifiers: ClinVar variation 2005442 (VCV002005442.4), dbSNP rs779963957, ClinGen allele CA353091341.

ClinVar aggregate classification (germline): Uncertain significance (1 of 4 stars; one submission).

Conditions:
Spermatogenic failure 18. Identifiers: MedGen C4539783, MONDO:0054615, OMIM 617576.
Ciliary dyskinesia, primary, 37 (CILD37). Also called: CILIARY DYSKINESIA, PRIMARY, 37, WITH OR WITHOUT SITUS INVERSUS. Identifiers: MedGen C4539798, MONDO:0033204, OMIM 617577.

gnomAD v4.1: 1 of 1,613,230 alleles (0.000062%); highest among the groups gnomAD compares: African/African-American, 0.0013%; no homozygotes.

Submission:

Labcorp Genetics (formerly Invitae), Labcorp
Classification: Uncertain significance for Ciliary dyskinesia, primary, 37; Spermatogenic failure 18. Last evaluated: 2022-08-01. Review status: criteria provided, single submitter. Criteria: Invitae Variant Classification Sherloc (09022015). Collection method: clinical testing. Allele origin: germline.
Comment: This sequence change replaces histidine, which is basic and polar, with aspartic acid, which is acidic and polar, at codon 538 of the DNAH1 protein (p.His538Asp). This variant is not present in population databases (gnomAD no frequency). This variant has not been reported in the literature in individuals affected with DNAH1-related conditions. Algorithms developed to predict the effect of missense changes on protein structure and function (SIFT, PolyPhen-2, Align-GVGD) all suggest that this variant is likely to be tolerated. In summary, the available evidence is currently insufficient to determine the role of this variant in disease. Therefore, it has been classified as a Variant of Uncertain Significance.